The following is an entry in ClinVar:

NC_000001.10:g.(?_235590435)_(235590574_?)del

Gene: TBCE (tubulin folding cofactor E; plus strand). Cytogenetic location: 1q42.3.
Variant type: Deletion.
Identifiers: ClinVar variation 3247952 (VCV003247952.1).

ClinVar aggregate classification (germline): Pathogenic (1 of 4 stars; one submission).

Submission:

Labcorp Genetics (formerly Invitae), Labcorp
Classification: Pathogenic. Last evaluated: 2023-08-03. Review status: criteria provided, single submitter. Criteria: Invitae Variant Classification Sherloc (09022015). Collection method: clinical testing. Allele origin: unknown.
Comment: For these reasons, this variant has been classified as Pathogenic. This variant has not been reported in the literature in individuals affected with TBCE-related conditions. This variant is a gross deletion of the genomic region encompassing exon(s) 6 of the TBCE gene. This deletion is out-of-frame, and is expected to create a premature termination codon and result in an absent or disrupted protein product. Loss-of-function variants in TBCE are known to be pathogenic (PMID: 27666369, 34134906, 34356170).

Literature cited by the submitters: PubMed 27666369; PubMed 34134906; PubMed 34356170.